The following is an entry in ClinVar:

ClinVar aggregate classification (germline): Benign/Likely benign. Review status: criteria provided, multiple submitters, no conflicts (2 of 4 stars). 4 submissions from 4 submitters: Benign (1); Likely benign (3). Last evaluated 2025-12-13.

Conditions:
Cerebral arteriopathy, autosomal dominant, with subcortical infarcts and leukoencephalopathy, type 1 (CADASIL1). Also called: CASIL; DEMENTIA, HEREDITARY MULTIINFARCT TYPE; Cerebral arteriopathy with subcortical infarcts and leukoencephalopathy 1; CADASIL 1. Identifiers: Orphanet 136, MedGen C4551768, MONDO:0000914, OMIM 125310.
Lateral meningocele syndrome (LMNS). Also called: NOTCH3-Related Lateral Meningocele Syndrome. Identifiers: Orphanet 2789, MedGen C1851710, MONDO:0007537, OMIM 130720.
Myofibromatosis, infantile, 2. Identifiers: Orphanet 2591, MedGen C3809084, MONDO:0014122, OMIM 615293.

Allele frequency attached by ClinVar (database versions not stated): gnomAD exomes 0.00004 and 0.00014; ESP Exome Variant Server 0.00008; gnomAD 0.00011 and 0.00012; TOPMed 0.00015; ExAC 0.00020.
gnomAD v4.1: 86 of 1,611,206 alleles (0.0053%); highest among the groups gnomAD compares: Admixed American, 0.075%; no homozygotes.

Submissions (4):

Mayo Clinic Laboratories, Mayo Clinic
Classification: Likely benign. Last evaluated: 2025-12-13. Review status: criteria provided, single submitter. Criteria: ACMG Guidelines, 2015. Collection method: clinical testing. Allele origin: germline. Observed: 1 variant allele.
Comment: BS2, BP1, BP4, BP7

Blueprint Genetics
Classification: Likely benign. Last evaluated: 2024-01-19. Review status: criteria provided, single submitter. Criteria: ACMG Guidelines, 2015. Collection method: clinical testing. Allele origin: germline.

Labcorp Genetics (formerly Invitae), Labcorp
Classification: Benign. Last evaluated: 2023-12-11. Review status: criteria provided, single submitter. Criteria: Invitae Variant Classification Sherloc (09022015). Collection method: clinical testing. Allele origin: germline.

Fulgent Genetics
Classification: Likely benign for Cerebral arteriopathy, autosomal dominant, with subcortical infarcts and leukoencephalopathy, type 1; Lateral meningocele syndrome; Myofibromatosis, infantile, 2. Last evaluated: 2022-04-19. Review status: criteria provided, single submitter. Criteria: ACMG Guidelines, 2015. Collection method: clinical testing. Allele origin: unknown.

NM_000435.3(NOTCH3):c.135C>T (p.Asp45=)

Gene: NOTCH3 (notch receptor 3; minus strand). Cytogenetic location: 19p13.12.
Variant type: single nucleotide variant.
Coding change: c.135C>T on transcript NM_000435.3 (MANE Select); coding-DNA position 135, C replaced by T.
Protein change: p.Asp45=; no amino-acid change (aspartic acid 45 retained).
Molecular consequence: synonymous variant.
Genome position (GRCh38, 1-based): chr19:15,197,562, G>A on the plus strand (C>T on the coding strand, the complement: NOTCH3 is on the minus strand). VCF-style: chr19-15197562-G-A. GRCh37 (hg19) VCF-style: chr19-15308373-G-A.
Other names: p.Asp45=.
Identifiers: ClinVar variation 767149 (VCV000767149.11), dbSNP rs370177269, ClinGen allele CA9263991.